The following is an entry in ClinVar:

ClinVar aggregate classification (germline): Uncertain significance (1 of 4 stars; one submission).

Submission:

Labcorp Genetics (formerly Invitae), Labcorp
Classification: Uncertain significance. Last evaluated: 2022-05-23. Review status: criteria provided, single submitter. Criteria: Invitae Variant Classification Sherloc (09022015). Collection method: clinical testing. Allele origin: germline.
Comment: In summary, the available evidence is currently insufficient to determine the role of this variant in disease. Therefore, it has been classified as a Variant of Uncertain Significance. Advanced modeling of protein sequence and biophysical properties (such as structural, functional, and spatial information, amino acid conservation, physicochemical variation, residue mobility, and thermodynamic stability) performed at Invitae indicates that this missense variant is not expected to disrupt NSD1 protein function. This variant has not been reported in the literature in individuals affected with NSD1-related conditions. This variant is not present in population databases (gnomAD no frequency). This sequence change replaces arginine, which is basic and polar, with glycine, which is neutral and non-polar, at codon 788 of the NSD1 protein (p.Arg788Gly).

NM_022455.5(NSD1):c.2362C>G (p.Arg788Gly)

Gene: NSD1 (nuclear receptor binding SET domain protein 1; plus strand). Cytogenetic location: 5q35.3.
Variant type: single nucleotide variant.
Coding change: c.2362C>G on transcript NM_022455.5 (MANE Select); coding-DNA position 2362, C replaced by G.
Protein change: p.Arg788Gly; replaces arginine 788 with glycine.
Molecular consequence: missense variant.
Genome position (GRCh38, 1-based): chr5:177,210,761, C>G. VCF-style: chr5-177210761-C-G. GRCh37 (hg19) VCF-style: chr5-176637762-C-G.
Other names: c.2362C>G, p.Arg788Gly (NM_001409302.1, NM_001409303.1, NM_001409301.1); c.1942C>G, p.Arg648Gly (NM_001409304.1); c.1609C>G, p.Arg537Gly (NM_001409305.1); c.1489C>G, p.Arg497Gly (NM_001409306.1, NM_001409307.1, NM_001365684.2 and 3 more transcripts); short protein forms R519G, R497G, R648G, R788G, R537G.
Identifiers: ClinVar variation 2076485 (VCV002076485.4), dbSNP rs1057520339, ClinGen allele CA362315586.